The following is an entry in ClinVar:

NM_001197104.2(KMT2A):c.3140A>T (p.Asp1047Val)

Gene: KMT2A (lysine methyltransferase 2A; plus strand). Cytogenetic location: 11q23.3.
Variant type: single nucleotide variant.
Coding change: c.3140A>T on transcript NM_001197104.2 (MANE Select); coding-DNA position 3140, A replaced by T.
Protein change: p.Asp1047Val; replaces aspartic acid 1047 with valine.
Molecular consequence: missense variant.
Genome position (GRCh38, 1-based): chr11:118,474,299, A>T. VCF-style: chr11-118474299-A-T. GRCh37 (hg19) VCF-style: chr11-118345014-A-T.
Other names: c.3239A>T, p.Asp1080Val (NM_001412597.1); c.3140A>T, p.Asp1047Val (NM_005933.4); short protein forms D1047V, D1080V.
Identifiers: ClinVar variation 2756815 (VCV002756815.3), dbSNP rs781995221, ClinGen allele CA6303606.
Genomic context (GRCh38, chr11:118,474,299, plus strand): 5'-TAAAAAAGGCCAAAGCTCAGCTCTGCAAGATTGAGAAGAGTAAGAGTCTTAAACAAACCG[A>T]CCAGCCCAAAGCACAGGTACTCTTTTCCACCTTGCCTATTAAAACTAACAGTTTATTGAG-3'
Protein context (NP_001184033.1, residues 1037-1057): IEKSKSLKQT[Asp1047Val]QPKAQGQESD

ClinVar aggregate classification (germline): Uncertain significance (1 of 4 stars; one submission).

Allele frequency attached by ClinVar (database versions not stated): gnomAD exomes below 0.00001; ExAC 0.00001; gnomAD 0.00001.

Submission:

Labcorp Genetics (formerly Invitae), Labcorp
Classification: Uncertain significance. Last evaluated: 2024-10-22. Review status: criteria provided, single submitter. Criteria: Invitae Variant Classification Sherloc (09022015). Collection method: clinical testing. Allele origin: germline.
Comment: This sequence change replaces aspartic acid, which is acidic and polar, with valine, which is neutral and non-polar, at codon 1047 of the KMT2A protein (p.Asp1047Val). This variant is present in population databases (rs781995221, gnomAD 0.007%). This variant has not been reported in the literature in individuals affected with KMT2A-related conditions. Invitae Evidence Modeling of protein sequence and biophysical properties (such as structural, functional, and spatial information, amino acid conservation, physicochemical variation, residue mobility, and thermodynamic stability) has been performed for this missense variant. However, the output from this modeling did not meet the statistical confidence thresholds required to predict the impact of this variant on KMT2A protein function. In summary, the available evidence is currently insufficient to determine the role of this variant in disease. Therefore, it has been classified as a Variant of Uncertain Significance.